The following is an entry in ClinVar:

ClinVar aggregate classification (germline): Likely benign. Review status: criteria provided, multiple submitters, no conflicts (2 of 4 stars). 3 submissions from 3 submitters: Likely benign (3). Last evaluated 2026-01-10.

Conditions:
Hereditary nonpolyposis colorectal neoplasms. Identifiers: MedGen C0009405, MeSH D003123.
Familial cancer of breast. Also called: BREAST CANCER, FAMILIAL; hereditary breast carcinoma; Hereditary breast cancer. Identifiers: Orphanet 227535, MedGen C0346153, MONDO:0016419, OMIM 114480. Disease mechanism: loss of function.

gnomAD v4.1: 6 of 1,607,374 alleles (0.00037%); highest among the groups gnomAD compares: South Asian, 0.0011%; no homozygotes.

Submissions (3):

Labcorp Genetics (formerly Invitae), Labcorp
Classification: Likely benign for Hereditary nonpolyposis colorectal neoplasms. Last evaluated: 2026-01-10. Review status: criteria provided, single submitter. Criteria: Invitae Variant Classification Sherloc (09022015). Collection method: clinical testing. Allele origin: germline.

Department of Pathology and Laboratory Medicine, Sinai Health System
Classification: Likely benign for hereditary breast carcinoma. Last evaluated: 2024-04-12. Review status: criteria provided, single submitter. Criteria: ACMG Guidelines, 2015. Collection method: clinical testing. Allele origin: germline. Affected: yes.

GeneDx
Classification: Likely benign. Last evaluated: 2017-11-02. Review status: criteria provided, single submitter. Criteria: GeneDx Variant Classification (06012015). Collection method: clinical testing. Allele origin: germline. Affected: yes.
Comment: This variant is considered likely benign or benign based on one or more of the following criteria: it is a conservative change, it occurs at a poorly conserved position in the protein, it is predicted to be benign by multiple in silico algorithms, and/or has population frequency not consistent with disease.

NM_000179.3(MSH6):c.3172+11G>T

Gene: MSH6 (mutS homolog 6; plus strand). Cytogenetic location: 2p16.3.
Variant type: single nucleotide variant.
Coding change: c.3172+11G>T on transcript NM_000179.3 (MANE Select); 11 bases into the intron after coding-DNA position 3172, G replaced by T.
Molecular consequence: intron variant.
Genome position (GRCh38, 1-based): chr2:47,801,166, G>T. VCF-style: chr2-47801166-G-T. GRCh37 (hg19) VCF-style: chr2-48028305-G-T.
Other names: c.2266+11G>T (NM_001281493.2, NM_001281494.2); c.2782+11G>T (NM_001281492.2).
Identifiers: ClinVar variation 513187 (VCV000513187.7), dbSNP rs1057523866, ClinGen allele CA346756774.
Genomic context (GRCh38, chr2:47,801,166, plus strand): 5'-TAAAAATTACAAGGACTGGCAGTCTGCTGTAGAGTGTATCGCAGTGTTGGGTAAGACTTT[G>T]AACAAGCTTGTTCTCAGGCTTTGATAAGTAGTGCTGTTTGCCAGCTGTATATTATCCCTA-3'